The following is an entry in ClinVar:

ClinVar aggregate classification (germline): Pathogenic/Likely pathogenic. Review status: criteria provided, multiple submitters, no conflicts (2 of 4 stars). 10 submissions from 10 submitters: Pathogenic (8); Likely pathogenic (1). 1 of the submissions does not count toward it. Last evaluated 2025-05-09.

Conditions:
HMGCL-related disorder. Also called: HMGCL-related condition.
Long chain 3-hydroxyacyl-CoA dehydrogenase deficiency. Also called: Deficiency of long-chain 3-hydroxyacyl-coenzyme A dehydrogenase; LCHAD Deficiency. Identifiers: Orphanet 5, MedGen C3711645, MONDO:0012173, OMIM 609016.
Deficiency of hydroxymethylglutaryl-CoA lyase (HMGCLD). Also called: Defect in leucine metabolism; 3-hydroxy-3-methylglutaric aciduria; HMG-CoA LYASE DEFICIENCY; HMGCL DEFICIENCY; HYDROXYMETHYLGLUTARIC ACIDURIA. Identifiers: Orphanet 20, MedGen C1533587, MONDO:0009520, OMIM 246450.

Allele frequency attached by ClinVar (database versions not stated): gnomAD exomes below 0.00001 and 0.00005; TOPMed 0.00005; gnomAD 0.00005 and 0.00004.
gnomAD v4.1: 82 of 1,613,934 alleles (0.0051%); highest among the groups gnomAD compares: Non-Finnish European, 0.0066%; no homozygotes.

Submissions (10):

Natera, Inc.
Classification: Pathogenic for Deficiency of long-chain 3-hydroxyacyl-coenzyme A dehydrogenase. Last evaluated: 2025-05-09. Review status: criteria provided, single submitter. Criteria: Natera Variant Classification Schema (03/2026). Collection method: clinical testing. Allele origin: germline.
Comment: The c.698A>G variant in HMGCL is a missense variant predicted to cause substitution of histidine to arginine at amino acid 233. This variant is rare in the general population with a frequency below the threshold expected for the associated phenotype(s). This variant has been observed in one or more individuals affected with the associated recessive disease, as either homozygous or compound heterozygous with a second variant (PMID: 8798725, 14518825, 9784232). This variant has been identified in one or more affected individuals with a phenotype highly consistent with the associated gene (PMID: 14518825, 22847177). Functional studies show that this variant may disrupt protein function (PMID: 8798725, 16330550). Computational prediction algorithms indicate this variant is likely to affect gene or protein function. Given the available evidence, this variant is classified as Pathogenic.

Women's Health and Genetics/Laboratory Corporation of America, LabCorp
Classification: Pathogenic for Deficiency of hydroxymethylglutaryl-CoA lyase. Last evaluated: 2025-03-05. Review status: criteria provided, single submitter. Criteria: LabCorp Variant Classification Summary - May 2015. Collection method: clinical testing. Allele origin: germline.
Comment: Variant summary: HMGCL c.698A>G (p.His233Arg) results in a non-conservative amino acid change in the encoded protein sequence. Five of five in-silico tools predict a damaging effect of the variant on protein function. The variant allele was found at a frequency of 4e-06 in 251412 control chromosomes. c.698A>G has been reported in the literature in individuals affected with HMG-CoA Lyase Deficiency (Zapater_1998, Menao_2009, Fu_2006). These data indicate that the variant is likely to be associated with disease. At least one publication reports experimental evidence evaluating an impact on protein function. The most pronounced variant effect results in undetectable enzyme activity in the fibroblasts and lymphocytes of patients (Roberts_1996, Pospisilova_2003). The following publications have been ascertained in the context of this evaluation (PMID: 9784232, 19177531, 8798725, 14518825, 16330550). ClinVar contains an entry for this variant (Variation ID: 167180). Based on the evidence outlined above, the variant was classified as pathogenic.

Baylor Genetics
Classification: Pathogenic for Deficiency of hydroxymethylglutaryl-CoA lyase. Last evaluated: 2024-03-04. Review status: criteria provided, single submitter. Criteria: ACMG Guidelines, 2015. Collection method: clinical testing. Allele origin: unknown.

Labcorp Genetics (formerly Invitae), Labcorp
Classification: Pathogenic for Deficiency of hydroxymethylglutaryl-CoA lyase. Last evaluated: 2023-10-27. Review status: criteria provided, single submitter. Criteria: Invitae Variant Classification Sherloc (09022015). Collection method: clinical testing. Allele origin: germline.
Comment: This sequence change replaces histidine, which is basic and polar, with arginine, which is basic and polar, at codon 233 of the HMGCL protein (p.His233Arg). This variant is present in population databases (rs727503963, gnomAD 0.002%). This missense change has been observed in individual(s) with 3-hydroxy-3-methylglutaryl-CoA lyase deficiency (PMID: 9784232, 14518825). In at least one individual the data is consistent with being in trans (on the opposite chromosome) from a pathogenic variant. ClinVar contains an entry for this variant (Variation ID: 167180). Advanced modeling of protein sequence and biophysical properties (such as structural, functional, and spatial information, amino acid conservation, physicochemical variation, residue mobility, and thermodynamic stability) performed at Invitae indicates that this missense variant is expected to disrupt HMGCL protein function with a positive predictive value of 80%. Experimental studies have shown that this missense change affects HMGCL function (PMID: 8798725, 16330550). For these reasons, this variant has been classified as Pathogenic.

Genome-Nilou Lab
Classification: Likely pathogenic for Deficiency of hydroxymethylglutaryl-CoA lyase. Last evaluated: 2023-04-11. Review status: criteria provided, single submitter. Criteria: ACMG Guidelines, 2015. Collection method: clinical testing. Allele origin: germline. Affected: no.

PreventionGenetics, part of Exact Sciences
Classification: Pathogenic for HMGCL-related condition. Last evaluated: 2023-03-15. Review status: criteria provided, single submitter. Criteria: ACMG Guidelines, 2015. Collection method: clinical testing. Allele origin: germline.
Comment: The HMGCL c.698A>G variant is predicted to result in the amino acid substitution p.His233Arg. This variant has previously been reported to be causative for HMG-CoA lyase deficiency (Pospísilová E et al 2003. PubMed ID: 14518825; Mitchell GA et al 1998. PubMed ID: 9463337; Menao S et al 2009. PubMed ID: 19177531). This variant is reported in 0.0023% of alleles in individuals of European (Non-Finnish) descent in gnomAD. This variant is interpreted as pathogenic.

GeneDx
Classification: Pathogenic. Last evaluated: 2022-04-19. Review status: criteria provided, single submitter. Criteria: GeneDx Variant Classification Process June 2021. Collection method: clinical testing. Allele origin: germline. Affected: yes.
Comment: In silico analysis supports that this missense variant has a deleterious effect on protein structure/function; Not observed at significant frequency in large population cohorts (gnomAD); Published functional studies demonstrate a damaging effect as this variant is associated with less than 1% 3-hydroxy-3-methylglutaryl-CoA lyase activity compared to wild-type (Roberts et al., 1996); This variant is associated with the following publications: (PMID: 19177531, 16330550, 9784232, 14518825, 17692550, 15308132, 22847177, 9463337, 8798725)

Fulgent Genetics
Classification: Pathogenic for Deficiency of hydroxymethylglutaryl-CoA lyase. Last evaluated: 2018-10-31. Review status: criteria provided, single submitter. Criteria: ACMG Guidelines, 2015. Collection method: clinical testing. Allele origin: unknown.

Eurofins Ntd Llc (ga)
Classification: Pathogenic. Last evaluated: 2014-01-23. Review status: criteria provided, single submitter. Criteria: EGL Classification Definitions 2015. Collection method: clinical testing. Allele origin: germline. Observed: 1 variant allele, 1 heterozygote.

Counsyl
Classification: Likely pathogenic for Deficiency of hydroxymethylglutaryl-CoA lyase. Last evaluated: 2017-02-07. Review status: no assertion criteria provided. Collection method: clinical testing. Allele origin: unknown. Not counted in ClinVar's aggregate classification.

Literature cited by the submitters: PubMed 8798725 (cited by 4 submitters); PubMed 14518825 (cited by 4 submitters); PubMed 9784232 (cited by 4 submitters); PubMed 22847177 (cited by Natera, Inc.); PubMed 16330550 (cited by 3 submitters); PubMed 19177531 (cited by Women's Health and Genetics/Laboratory Corporation of America, LabCorp and Counsyl).

NM_000191.3(HMGCL):c.698A>G (p.His233Arg)

Gene: HMGCL (3-hydroxy-3-methylglutaryl-CoA lyase; minus strand). Cytogenetic location: 1p36.11.
Variant type: single nucleotide variant.
Coding change: c.698A>G on transcript NM_000191.3 (MANE Select); coding-DNA position 698, A replaced by G.
Protein change: p.His233Arg; replaces histidine 233 with arginine.
Molecular consequence: missense variant.
Genome position (GRCh38, 1-based): chr1:23,808,187, T>C on the plus strand (A>G on the coding strand, the complement: HMGCL is on the minus strand). VCF-style: chr1-23808187-T-C. GRCh37 (hg19) VCF-style: chr1-24134677-T-C.
Other names: c.485A>G, p.His162Arg (NM_001166059.2); short protein forms H233R, H162R.
Identifiers: ClinVar variation 167180 (VCV000167180.23), dbSNP rs727503963, ClinGen allele CA234122.